The following is an entry in ClinVar:

ClinVar aggregate classification (germline): Uncertain significance. Review status: criteria provided, multiple submitters, no conflicts (2 of 4 stars). 2 submissions from 2 submitters: Uncertain significance (2). Last evaluated 2023-04-26.

Allele frequency attached by ClinVar (database versions not stated): gnomAD 0.00001; gnomAD exomes 0.00001; ExAC 0.00003; 1000 Genomes Project 30x 0.00016; 1000 Genomes Project 0.00020.
gnomAD v4.1: 22 of 1,614,056 alleles (0.0014%); highest among the groups gnomAD compares: South Asian, 0.024%; no homozygotes.

Submissions (2):

Revvity Omics, Revvity
Classification: Uncertain significance. Last evaluated: 2023-04-26. Review status: criteria provided, single submitter. Criteria: ACMG Guidelines, 2015. Collection method: clinical testing. Allele origin: germline.

Mayo Clinic Laboratories, Mayo Clinic
Classification: Uncertain significance. Last evaluated: 2022-09-13. Review status: criteria provided, single submitter. Criteria: ACMG Guidelines, 2015. Collection method: clinical testing. Allele origin: germline. Observed: 1 variant allele.
Comment: PP3

NM_001355436.2(SPTB):c.1357G>T (p.Asp453Tyr)

Gene: SPTB (spectrin beta, erythrocytic; minus strand). Cytogenetic location: 14q23.3.
Variant type: single nucleotide variant.
Coding change: c.1357G>T on transcript NM_001355436.2 (MANE Select); coding-DNA position 1357, G replaced by T.
Protein change: p.Asp453Tyr; replaces aspartic acid 453 with tyrosine.
Molecular consequence: missense variant.
Genome position (GRCh38, 1-based): chr14:64,795,624, C>A on the plus strand (G>T on the coding strand, the complement: SPTB is on the minus strand). VCF-style: chr14-64795624-C-A. GRCh37 (hg19) VCF-style: chr14-65262342-C-A.
Other names: p.Asp453Tyr; c.1357G>T, p.Asp453Tyr (NM_001024858.4, NM_001355437.2); short protein forms D453Y.
Identifiers: ClinVar variation 2683260 (VCV002683260.3), dbSNP rs568264177, ClinGen allele CA7231126.